The following is an entry in ClinVar:

NM_021008.4(DEAF1):c.1634C>G (p.Ala545Gly)

Gene: DEAF1 (DEAF1 transcription factor; minus strand). Cytogenetic location: 11p15.5.
Variant type: single nucleotide variant.
Coding change: c.1634C>G on transcript NM_021008.4 (MANE Select); coding-DNA position 1634, C replaced by G.
Protein change: p.Ala545Gly; replaces alanine 545 with glycine.
Molecular consequence: missense variant.
Genome position (GRCh38, 1-based): chr11:644,614, G>C on the plus strand (C>G on the coding strand, the complement: DEAF1 is on the minus strand). VCF-style: chr11-644614-G-C. GRCh37 (hg19) VCF-style: chr11-644614-G-C.
Other names: c.1409C>G, p.Ala470Gly (NM_001293634.2); c.908C>G, p.Ala303Gly (NM_001367390.1); short protein forms A545G, A303G, A470G.
Identifiers: ClinVar variation 434924 (VCV000434924.44), dbSNP rs34114147, ClinGen allele CA5786101.
Genomic context (GRCh38, chr11:644,614, plus strand): 5'-ACGGTCACCTTCTCCATCACGCTTTCAGCCACGTGGACTTCGTCTGCCTGGACGGTGACA[G>C]CTGCTGACTGGCCGCATATGTGCTGGTGATCCTTCCAGTCCTGGAAGGGAGGACACACCC-3'
Protein context (NP_066288.2, residues 535-555): DHQHICGQSA[Ala545Gly]VTVQADEVHV

ClinVar aggregate classification (germline): Benign. Review status: criteria provided, multiple submitters, no conflicts (2 of 4 stars). 7 submissions from 7 submitters: Benign (5). 2 of the submissions do not count toward it. Last evaluated 2026-09-01.

Allele frequency attached by ClinVar (database versions not stated): 1000 Genomes Project 0.00599; ExAC 0.00641; gnomAD exomes 0.00662 and 0.00840; 1000 Genomes Project 30x 0.00671; gnomAD 0.00673 and 0.00680; ESP Exome Variant Server 0.00700; TOPMed 0.00744.
gnomAD v4.1: 13,236 of 1,612,816 alleles (0.82%); highest among the groups gnomAD compares: Admixed American, 1.2%; 84 homozygotes.

Submissions (7):

CeGaT Center for Human Genetics Tuebingen
Classification: Benign. Last evaluated: 2026-09-01. Review status: criteria provided, single submitter. Criteria: CeGaT Center For Human Genetics Tuebingen Variant Classification Criteria Version 2. Collection method: clinical testing. Allele origin: germline. Affected: yes. Observed: 41 variant alleles.
Comment: DEAF1: BP4, BS1, BS2

Labcorp Genetics (formerly Invitae), Labcorp
Classification: Benign. Last evaluated: 2026-02-03. Review status: criteria provided, single submitter. Criteria: Invitae Variant Classification Sherloc (09022015). Collection method: clinical testing. Allele origin: germline.

Genetic Services Laboratory, University of Chicago
Classification: Benign. Last evaluated: 2019-05-14. Review status: criteria provided, single submitter. Criteria: ACMG Guidelines, 2015. Collection method: clinical testing. Allele origin: germline. Affected: no.

Athena Diagnostics
Classification: Benign. Last evaluated: 2018-04-23. Review status: criteria provided, single submitter. Criteria: Athena Diagnostics Criteria. Collection method: clinical testing. Allele origin: germline.

Breakthrough Genomics
Classification: Benign. Review status: criteria provided, single submitter. Criteria: ACMG Guidelines, 2015. Collection method: not provided. Allele origin: germline. Inheritance: Autosomal recessive inheritance. Affected: yes.

Clinical Genetics DNA and cytogenetics Diagnostics Lab, Erasmus MC, Erasmus Medical Center
Classification: Benign. Review status: no assertion criteria provided. Collection method: clinical testing. Allele origin: germline. Affected: yes. Study: VKGL Data-share Consensus. Not counted in ClinVar's aggregate classification.

Laboratory of Diagnostic Genome Analysis, Leiden University Medical Center (LUMC)
Classification: Likely benign. Review status: no assertion criteria provided. Collection method: clinical testing. Allele origin: germline. Affected: yes. Study: VKGL Data-share Consensus. Not counted in ClinVar's aggregate classification.